The following is an entry in ClinVar:

NM_153026.3(PRICKLE1):c.1547G>C (p.Trp516Ser)

Gene: PRICKLE1 (prickle planar cell polarity protein 1; minus strand). Cytogenetic location: 12q12.
Variant type: single nucleotide variant.
Coding change: c.1547G>C on transcript NM_153026.3 (MANE Select); coding-DNA position 1547, G replaced by C.
Protein change: p.Trp516Ser; replaces tryptophan 516 with serine.
Molecular consequence: missense variant.
Genome position (GRCh38, 1-based): chr12:42,464,487, C>G on the plus strand (G>C on the coding strand, the complement: PRICKLE1 is on the minus strand). VCF-style: chr12-42464487-C-G. GRCh37 (hg19) VCF-style: chr12-42858289-C-G.
Other names: p.W516S:TGG>TCG; c.1547G>C, p.Trp516Ser (NM_001144881.2, NM_001144882.2, NM_001144883.2); short protein forms W516S.
Identifiers: ClinVar variation 206670 (VCV000206670.13), dbSNP rs139901494, ClinGen allele CA316994.
Genomic context (GRCh38, chr12:42,464,487, plus strand): 5'-GAATCCCGAACACTTTGCTCTGGTTTCAGGTCTGACAGACACTCCAGGGAATCTTCATAC[C>G]ACTGTGTTTCATCATGATTATACCCTGAAGCCCCATGGTCCAGTTCCAATTCCTGAAGCC-3'
Protein context (NP_694571.2, residues 506-526): ASGYNHDETQ[Trp516Ser]YEDSLECLSD

ClinVar aggregate classification (germline): Uncertain significance. Review status: criteria provided, multiple submitters, no conflicts (2 of 4 stars). 3 submissions from 3 submitters: Uncertain significance (3). Last evaluated 2024-03-21.

Conditions:
Epilepsy, progressive myoclonic, 1B. Also called: PME. Identifiers: Orphanet 308, MedGen C2676254, MONDO:0012904, OMIM 612437.

Allele frequency attached by ClinVar (database versions not stated): ExAC 0.00008; gnomAD exomes 0.00011 and 0.00027; gnomAD 0.00013 and 0.00014; TOPMed 0.00014; ESP Exome Variant Server 0.00023.
gnomAD v4.1: 403 of 1,613,846 alleles (0.025%); highest among the groups gnomAD compares: Non-Finnish European, 0.033%; no homozygotes.

Submissions (3):

Ambry Genetics
Classification: Uncertain significance. Last evaluated: 2024-03-21. Review status: criteria provided, single submitter. Criteria: Ambry Variant Classification Scheme 2023. Collection method: clinical testing. Allele origin: germline.

Labcorp Genetics (formerly Invitae), Labcorp
Classification: Uncertain significance for Epilepsy, progressive myoclonic, 1B. Last evaluated: 2022-09-19. Review status: criteria provided, single submitter. Criteria: Invitae Variant Classification Sherloc (09022015). Collection method: clinical testing. Allele origin: germline.
Comment: This sequence change replaces tryptophan, which is neutral and slightly polar, with serine, which is neutral and polar, at codon 516 of the PRICKLE1 protein (p.Trp516Ser). This variant is present in population databases (rs139901494, gnomAD 0.02%). This variant has not been reported in the literature in individuals affected with PRICKLE1-related conditions. ClinVar contains an entry for this variant (Variation ID: 206670). Advanced modeling of protein sequence and biophysical properties (such as structural, functional, and spatial information, amino acid conservation, physicochemical variation, residue mobility, and thermodynamic stability) performed at Invitae indicates that this missense variant is not expected to disrupt PRICKLE1 protein function. In summary, the available evidence is currently insufficient to determine the role of this variant in disease. Therefore, it has been classified as a Variant of Uncertain Significance.

GeneDx
Classification: Uncertain significance. Last evaluated: 2018-05-23. Review status: criteria provided, single submitter. Criteria: GeneDx Variant Classification (06012015). Collection method: clinical testing. Allele origin: germline. Affected: yes.
Comment: A variant of uncertain significance has been identified in the PRICKLE1 gene. The W516S variant has not been published as a pathogenic variant, nor has it been reported as a benign variant to our knowledge. The W516S variant was not observed with any significant frequency in approximately 6,500 individuals of European and African American ancestry in the NHLBI Exome Sequencing Project. The W516S variant is a non-conservative amino acid substitution, which is likely to impact secondary protein structure as these residues differ in polarity, charge, size and/or other properties. Additionally, this substitution occurs at a position that is conserved across species. In silico analysis is inconsistent in its predictions as to whether or not the variant is damaging to the protein structure/function. Based on the currently available information, it is unclear whether this variant is a pathogenic variant or a rare benign variant.